The following is an entry in ClinVar:

ClinVar aggregate classification (germline): Likely benign. Review status: criteria provided, multiple submitters, no conflicts (2 of 4 stars). 4 submissions from 4 submitters: Likely benign (3). 1 of the submissions does not count toward it. Last evaluated 2025-08-06.

Conditions:
TAF15-related disorder. Also called: TAF15-related condition.

Allele frequency attached by ClinVar (database versions not stated): gnomAD 0.00075 and 0.00076; ExAC 0.00113; 1000 Genomes Project 30x 0.00047; 1000 Genomes Project 0.00060; TOPMed 0.00059; ESP Exome Variant Server 0.00100; gnomAD exomes 0.00103.

Submissions (4):

Mayo Clinic Laboratories, Mayo Clinic
Classification: Likely benign. Last evaluated: 2025-08-06. Review status: criteria provided, single submitter. Criteria: ACMG Guidelines, 2015. Collection method: clinical testing. Allele origin: germline. Observed: 4 variant alleles.
Comment: BS2, BP4

GeneDx
Classification: Likely benign. Last evaluated: 2021-03-30. Review status: criteria provided, single submitter. Criteria: GeneDx Variant Classification Process June 2021. Collection method: clinical testing. Allele origin: germline. Affected: yes.

Labcorp Genetics (formerly Invitae), Labcorp
Classification: Likely benign. Last evaluated: 2019-12-31. Review status: criteria provided, single submitter. Criteria: Invitae Variant Classification Sherloc (09022015). Collection method: clinical testing. Allele origin: germline.

PreventionGenetics, part of Exact Sciences
Classification: Likely benign for TAF15-related condition. Last evaluated: 2022-06-30. Review status: no assertion criteria provided. Collection method: clinical testing. Allele origin: germline. Not counted in ClinVar's aggregate classification.
Comment: This variant is classified as likely benign based on ACMG/AMP sequence variant interpretation guidelines (Richards et al. 2015 PMID: 25741868, with internal and published modifications).

NM_139215.3(TAF15):c.154G>A (p.Gly52Ser)

Gene: TAF15 (TATA-box binding protein associated factor 15; plus strand). Cytogenetic location: 17q12.
Variant type: single nucleotide variant.
Coding change: c.154G>A on transcript NM_139215.3 (MANE Select); coding-DNA position 154, G replaced by A.
Protein change: p.Gly52Ser; replaces glycine 52 with serine.
Molecular consequence: missense variant.
Genome position (GRCh38, 1-based): chr17:35,820,218, G>A. VCF-style: chr17-35820218-G-A. GRCh37 (hg19) VCF-style: chr17-34147222-G-A.
Other names: p.Gly52Ser; c.154G>A, p.Gly52Ser (NM_003487.4); short protein forms G52S.
Identifiers: ClinVar variation 681581 (VCV000681581.9), dbSNP rs117677306, ClinGen allele CA290021140.